The following is an entry in ClinVar:

ClinVar aggregate classification (germline): Uncertain significance. Review status: criteria provided, multiple submitters, no conflicts (2 of 4 stars). 3 submissions from 3 submitters: Uncertain significance (3). Last evaluated 2025-03-14.

Conditions:
Exudative vitreoretinopathy 5 (EVR5). Identifiers: Orphanet 891, MedGen C2750079, MONDO:0013218, OMIM 613310.
Inborn genetic diseases. Identifiers: MedGen C0950123, MeSH D030342.

Allele frequency attached by ClinVar (database versions not stated): gnomAD exomes below 0.00001; TOPMed below 0.00001.
gnomAD v4.1: 4 of 1,614,204 alleles (0.00025%); highest among the groups gnomAD compares: East Asian, 0.0045%; no homozygotes.

Submissions (3):

Ambry Genetics
Classification: Uncertain significance for Inborn genetic diseases. Last evaluated: 2025-03-14. Review status: criteria provided, single submitter. Criteria: Ambry Variant Classification Scheme 2023. Collection method: clinical testing. Allele origin: germline.

Blueprint Genetics
Classification: Uncertain significance. Last evaluated: 2023-05-25. Review status: criteria provided, single submitter. Criteria: ACMG Guidelines, 2015. Collection method: clinical testing. Allele origin: germline.

3billion
Classification: Uncertain significance for Exudative vitreoretinopathy 5. Last evaluated: 2022-09-01. Review status: criteria provided, single submitter. Criteria: ACMG Guidelines, 2015. Collection method: clinical testing. Allele origin: germline. Affected: yes. Observed: 1 heterozygote.
Comment: The variant is observed at an extremely low frequency in the gnomAD v2.1.1 dataset (total allele frequency: <0.001%). In silico tool predictions suggest damaging effect of the variant on gene or gene product (REVEL: 0.80; 3Cnet: 0.59). Therefore, this variant is classified as uncertain significance according to the recommendation of ACMG/AMP guideline.

NM_012338.4(TSPAN12):c.32G>A (p.Arg11His)

Gene: TSPAN12 (tetraspanin 12; minus strand). Cytogenetic location: 7q31.31.
Variant type: single nucleotide variant.
Coding change: c.32G>A on transcript NM_012338.4 (MANE Select); coding-DNA position 32, G replaced by A.
Protein change: p.Arg11His; replaces arginine 11 with histidine.
Molecular consequence: missense variant.
Genome position (GRCh38, 1-based): chr7:120,856,732, C>T on the plus strand (G>A on the coding strand, the complement: TSPAN12 is on the minus strand). VCF-style: chr7-120856732-C-T. GRCh37 (hg19) VCF-style: chr7-120496786-C-T.
Other names: c.32G>A (NM_012338.3); short protein forms R11H.
Identifiers: ClinVar variation 1705403 (VCV001705403.3), dbSNP rs1162773499, ClinGen allele CA369133469.